The following is an entry in ClinVar:

NM_001330078.2(NRXN1):c.1134+1G>A

Gene: NRXN1 (neurexin 1; minus strand). Cytogenetic location: 2p16.3.
Variant type: single nucleotide variant.
Coding change: c.1134+1G>A on transcript NM_001330078.2 (MANE Select); the canonical splice donor site of the intron after coding-DNA position 1134, G replaced by A.
Molecular consequence: splice donor variant.
Genome position (GRCh38, 1-based): chr2:50,623,313, C>T on the plus strand (G>A on the coding strand, the complement: NRXN1 is on the minus strand). VCF-style: chr2-50623313-C-T. GRCh37 (hg19) VCF-style: chr2-50850451-C-T.
Other names: c.1074+1G>A (NM_001330096.2, NM_001330087.2, NM_001330083.2 and 1 more transcripts); c.1104+1G>A (NM_001330088.2); c.1131+1G>A (NM_001330093.2); c.1122+1G>A (NM_001330094.2); c.1134+1G>A (NM_001330095.2, NM_001330082.2, NM_001330077.2 and 3 more transcripts); c.1233+1G>A (NM_001135659.3).
Identifiers: ClinVar variation 2134226 (VCV002134226.4), dbSNP rs1263307538, ClinGen allele CA346822052.

ClinVar aggregate classification (germline): Likely pathogenic (1 of 4 stars; one submission).

Conditions:
Pitt-Hopkins-like syndrome 2 (PTHSL2). Identifiers: Orphanet 221150, Orphanet 600663, MedGen C3280479, MONDO:0013690, OMIM 614325.

Allele frequency attached by ClinVar (database versions not stated): TOPMed below 0.00001.

Submission:

Labcorp Genetics (formerly Invitae), Labcorp
Classification: Likely pathogenic for Pitt-Hopkins-like syndrome 2. Last evaluated: 2022-05-05. Review status: criteria provided, single submitter. Criteria: Invitae Variant Classification Sherloc (09022015). Collection method: clinical testing. Allele origin: germline.
Comment: In summary, the currently available evidence indicates that the variant is pathogenic, but additional data are needed to prove that conclusively. Therefore, this variant has been classified as Likely Pathogenic. Algorithms developed to predict the effect of sequence changes on RNA splicing suggest that this variant may disrupt the consensus splice site. This variant has not been reported in the literature in individuals affected with NRXN1-related conditions. This variant is not present in population databases (gnomAD no frequency). This sequence change affects a donor splice site in intron 7 of the NRXN1 gene. It is expected to disrupt RNA splicing. Variants that disrupt the donor or acceptor splice site typically lead to a loss of protein function (PMID: 16199547), and loss-of-function variants in NRXN1 are known to be pathogenic (PMID: 19896112, 21964664, 23495017, 23533028, 25149956, 30031152).

Literature cited by the submitters: PubMed 16199547; PubMed 19896112; PubMed 21964664; PubMed 23495017; PubMed 23533028; PubMed 25149956; PubMed 30031152.